The following is an entry in ClinVar:

ClinVar aggregate classification (germline): Uncertain significance. Review status: criteria provided, multiple submitters, no conflicts (2 of 4 stars). 3 submissions from 3 submitters: Uncertain significance (2). 1 of the submissions does not count toward it. Last evaluated 2025-06-29.

Conditions:
Ataxia-telangiectasia syndrome (AT). Also called: Ataxia-telangiectasia, complementation group D; AT, COMPLEMENTATION GROUP C; ATAXIA-TELANGIECTASIA, COMPLEMENTATION GROUP A; ATAXIA-TELANGIECTASIA, FRESNO VARIANT; Ataxia-telangiectasia; Cerebello-oculocutaneous telangiectasia. Identifiers: Orphanet 100, MedGen C0004135, MONDO:0008840, OMIM 208900.
Hereditary cancer-predisposing syndrome. Also called: Hereditary neoplastic syndrome; Neoplastic Syndromes, Hereditary; Tumor predisposition; Hereditary Cancer Syndrome. Identifiers: Orphanet 140162, MedGen C0027672, MeSH D009386, MONDO:0015356.

Submissions (3):

Color Diagnostics, LLC DBA Color Health
Classification: Uncertain significance for Hereditary cancer-predisposing syndrome. Last evaluated: 2025-06-29. Review status: criteria provided, single submitter. Criteria: ACMG Guidelines, 2015. Collection method: clinical testing. Allele origin: germline.
Comment: This variant causes a T to C nucleotide substitution at the +6 position of intron 29/62 of the ATM gene. To our knowledge, functional studies have not been reported for this variant. This variant has not been reported in individuals affected with ATM-related disorders in the literature. This variant has not been identified in the general population by the Genome Aggregation Database (gnomAD). The available evidence is insufficient to determine the role of this variant in disease conclusively. Therefore, this variant is classified as a Variant of Uncertain Significance.

Labcorp Genetics (formerly Invitae), Labcorp
Classification: Uncertain significance for Ataxia-telangiectasia syndrome. Last evaluated: 2020-11-05. Review status: criteria provided, single submitter. Criteria: Invitae Variant Classification Sherloc (09022015). Collection method: clinical testing. Allele origin: germline.
Comment: This variant is not present in population databases (ExAC no frequency). In summary, the available evidence is currently insufficient to determine the role of this variant in disease. Therefore, it has been classified as a Variant of Uncertain Significance. Nucleotide substitutions within the consensus splice site are a relatively common cause of aberrant splicing (PMID: 17576681, 9536098). Algorithms developed to predict the effect of sequence changes on RNA splicing suggest that this variant is not likely to affect RNA splicing, but this prediction has not been confirmed by published transcriptional studies. This variant has not been reported in the literature in individuals with ATM-related conditions. This sequence change falls in intron 29 of the ATM gene. It does not directly change the encoded amino acid sequence of the ATM protein, but it affects a nucleotide within the consensus splice site of the intron.

Natera, Inc.
Classification: Uncertain significance for Ataxia-telangiectasia. Last evaluated: 2021-04-21. Review status: no assertion criteria provided. Collection method: clinical testing. Allele origin: germline. Not counted in ClinVar's aggregate classification.

Literature cited by the submitters: PubMed 17576681 (cited by Labcorp Genetics (formerly Invitae), Labcorp); PubMed 9536098 (cited by Labcorp Genetics (formerly Invitae), Labcorp).

NM_000051.4(ATM):c.4436+6T>C

Gene: ATM (ATM serine/threonine kinase; plus strand). Cytogenetic location: 11q22.3.
Variant type: single nucleotide variant.
Coding change: c.4436+6T>C on transcript NM_000051.4 (MANE Select); 6 bases into the intron after coding-DNA position 4436, T replaced by C.
Molecular consequence: intron variant.
Genome position (GRCh38, 1-based): chr11:108,289,807, T>C. VCF-style: chr11-108289807-T-C. GRCh37 (hg19) VCF-style: chr11-108160534-T-C.
Other names: c.4436+6T>C (NM_001351834.2).
Identifiers: ClinVar variation 1007070 (VCV001007070.12), dbSNP rs2082687309, ClinGen allele CA1998785867.